The following is an entry in ClinVar:

NM_000245.4(MET):c.2715C>T (p.Ser905=)

Gene: MET (MET proto-oncogene, receptor tyrosine kinase; plus strand). Cytogenetic location: 7q31.2.
Variant type: single nucleotide variant.
Coding change: c.2715C>T on transcript NM_000245.4 (MANE Select); coding-DNA position 2715, C replaced by T.
Protein change: p.Ser905=; no amino-acid change (serine 905 retained).
Molecular consequence: synonymous variant.
Genome position (GRCh38, 1-based): chr7:116,769,776, C>T. VCF-style: chr7-116769776-C-T. GRCh37 (hg19) VCF-style: chr7-116409830-C-T.
Other names: c.2769C>T, p.Ser923= (NM_001127500.3); c.2715C>T, p.Ser905= (NM_001324401.3); c.1425C>T, p.Ser475= (NM_001324402.2); c.2769C>T (NM_001127500.2).
Identifiers: ClinVar variation 215791 (VCV000215791.49), dbSNP rs45572835, ClinGen allele CA336311.

ClinVar aggregate classification (germline): Benign/Likely benign. Review status: criteria provided, multiple submitters, no conflicts (2 of 4 stars). 10 submissions from 10 submitters: Benign (1); Likely benign (8). 1 of the submissions does not count toward it. Last evaluated 2026-01-31.

Conditions:
MET-related disorder. Also called: MET-related condition.
Renal cell carcinoma. Identifiers: Orphanet 217071, MedGen C0007134, MeSH D002292, MONDO:0005086, HP:0005584.
Papillary renal cell carcinoma type 1 (RCCP1). Also called: Renal adenocarcinoma; Renal cell carcinoma 1; Renal cell carcinoma, somatic; RENAL CELL CARCINOMA, PAPILLARY, 1, SOMATIC. Identifiers: Orphanet 47044, MedGen C1336839, OMIM 605074, HP:0011797.
Hereditary cancer-predisposing syndrome. Also called: Tumor predisposition; Neoplastic Syndromes, Hereditary; Hereditary Cancer Syndrome; Hereditary neoplastic syndrome. Identifiers: Orphanet 140162, MedGen C0027672, MeSH D009386, MONDO:0015356.

Allele frequency attached by ClinVar (database versions not stated): gnomAD exomes 0.00010; ExAC 0.00012; 1000 Genomes Project 30x 0.00031; TOPMed 0.00031; gnomAD 0.00039 and 0.00041; 1000 Genomes Project 0.00040; ESP Exome Variant Server 0.00042.
gnomAD v4.1: 117 of 1,613,736 alleles (0.0073%); highest among the groups gnomAD compares: African/African-American, 0.11%; 1 homozygote.

Submissions (12):

Labcorp Genetics (formerly Invitae), Labcorp
Classification: Benign for Renal cell carcinoma. Last evaluated: 2026-01-31. Review status: criteria provided, single submitter. Criteria: Invitae Variant Classification Sherloc (09022015). Collection method: clinical testing. Allele origin: germline.

Center for Genomic Medicine, Rigshospitalet, Copenhagen University Hospital
Classification: Likely benign. Last evaluated: 2025-12-29. Review status: criteria provided, single submitter. Criteria: ACMG Guidelines, 2015. Collection method: clinical testing. Allele origin: germline.
Comment: Classification criteria: BP7

Blueprint Genetics
Classification: Likely benign. Last evaluated: 2024-11-04. Review status: criteria provided, single submitter. Criteria: ACMG Guidelines, 2015. Collection method: clinical testing. Allele origin: germline.

CeGaT Center for Human Genetics Tuebingen
Classification: Likely benign. Last evaluated: 2023-04-01. Review status: criteria provided, single submitter. Criteria: CeGaT Center For Human Genetics Tuebingen Variant Classification Criteria Version 2. Collection method: clinical testing. Allele origin: germline. Affected: yes. Observed: 1 variant allele.
Comment: MET: BP7

Sema4
Classification: Likely benign for Hereditary cancer-predisposing syndrome. Last evaluated: 2021-07-03. Review status: criteria provided, single submitter. Criteria: Sema4 Curation Guidelines. Collection method: curation. Allele origin: germline.

GeneDx
Classification: Likely benign. Last evaluated: 2020-08-25. Review status: criteria provided, single submitter. Criteria: GeneDx Variant Classification Process June 2021. Collection method: clinical testing. Allele origin: germline. Affected: yes.

Mendelics
Classification: Likely benign for Papillary renal cell carcinoma type 1. Last evaluated: 2019-05-28. Review status: criteria provided, single submitter. Criteria: Mendelics Assertion Criteria 2017. Collection method: clinical testing. Allele origin: unknown.

Ambry Genetics
Classification: Likely benign for Hereditary cancer-predisposing syndrome. Last evaluated: 2016-08-17. Review status: criteria provided, single submitter. Criteria: Ambry Variant Classification Scheme 2023. Collection method: clinical testing. Allele origin: germline.

Breakthrough Genomics
Classification: Likely benign. Review status: criteria provided, single submitter. Criteria: ACMG Guidelines, 2015. Collection method: not provided. Allele origin: germline. Inheritance: Autosomal recessive inheritance. Affected: yes.

PreventionGenetics, part of Exact Sciences
Classification: Likely benign for MET-related condition. Last evaluated: 2022-02-10. Review status: no assertion criteria provided. Collection method: clinical testing. Allele origin: germline. Not counted in ClinVar's aggregate classification.
Comment: This variant is classified as likely benign based on ACMG/AMP sequence variant interpretation guidelines (Richards et al. 2015 PMID: 25741868, with internal and published modifications).

Dr. Peter K. Rogan Lab, Western University
No classification provided (evidence only). Condition: Familial cancer of breast. Review status: no classification provided. Collection method: in vitro. Allele origin: not applicable. Functional consequence: retained intron. Not counted in ClinVar's aggregate classification.

Dr. Peter K. Rogan Lab, Western University
No classification provided (evidence only). Condition: Colon adenocarcinoma. Review status: no classification provided. Collection method: in vitro. Allele origin: not applicable. Functional consequence: retained intron. Not counted in ClinVar's aggregate classification.